The following is an entry in ClinVar:

ClinVar aggregate classification (germline): Conflicting classifications of pathogenicity. Review status: criteria provided, conflicting classifications (1 of 4 stars). 2 submissions from 2 submitters: Uncertain significance (1); Likely benign (1). Last evaluated 2025-08-07.

Allele frequency attached by ClinVar (database versions not stated): TOPMed below 0.00001; gnomAD 0.00001; gnomAD exomes 0.00005 and 0.00006; ExAC 0.00006.

Submissions (2):

Labcorp Genetics (formerly Invitae), Labcorp
Classification: Uncertain significance. Last evaluated: 2025-08-07. Review status: criteria provided, single submitter. Criteria: Invitae Variant Classification Sherloc (09022015). Collection method: clinical testing. Allele origin: germline.
Comment: This sequence change replaces alanine, which is neutral and non-polar, with threonine, which is neutral and polar, at codon 111 of the PCARE protein (p.Ala111Thr). This variant is present in population databases (rs777179942, gnomAD 0.04%), including at least one homozygous and/or hemizygous individual. This variant has not been reported in the literature in individuals affected with PCARE-related conditions. ClinVar contains an entry for this variant (Variation ID: 959565). An algorithm developed to predict the effect of missense changes on protein structure and function outputs the following: PolyPhen-2: "Possibly Damaging". The threonine amino acid residue is found in multiple mammalian species, which suggests that this missense change does not adversely affect protein function. In summary, the available evidence is currently insufficient to determine the role of this variant in disease. Therefore, it has been classified as a Variant of Uncertain Significance.

Blueprint Genetics
Classification: Likely benign. Last evaluated: 2022-10-28. Review status: criteria provided, single submitter. Criteria: ACMG Guidelines, 2015. Collection method: clinical testing. Allele origin: germline.

NM_001029883.3(PCARE):c.331G>A (p.Ala111Thr)

Gene: PCARE (photoreceptor cilium actin regulator; minus strand). Cytogenetic location: 2p23.2.
Variant type: single nucleotide variant.
Coding change: c.331G>A on transcript NM_001029883.3 (MANE Select); coding-DNA position 331, G replaced by A.
Protein change: p.Ala111Thr; replaces alanine 111 with threonine.
Molecular consequence: missense variant.
Genome position (GRCh38, 1-based): chr2:29,073,931, C>T on the plus strand (G>A on the coding strand, the complement: PCARE is on the minus strand). VCF-style: chr2-29073931-C-T. GRCh37 (hg19) VCF-style: chr2-29296797-C-T.
Other names: short protein forms A111T.
Identifiers: ClinVar variation 959565 (VCV000959565.6), dbSNP rs777179942, ClinGen allele CA1592675.